The following is an entry in ClinVar:

NM_001127511.3(APC):c.165+27344A>G

Gene: APC (APC regulator of Wnt signaling pathway; plus strand). Cytogenetic location: 5q22.2.
Variant type: single nucleotide variant.
Coding change: c.165+27344A>G on transcript NM_001127511.3; 27344 bases into the intron after coding-DNA position 165, A replaced by G.
Molecular consequence: intron variant.
Genome position (GRCh38, 1-based): chr5:112,735,226, A>G. VCF-style: chr5-112735226-A-G. GRCh37 (hg19) VCF-style: chr5-112070923-A-G.
Other names: c.-1053-19647A>G (NM_001407470.1, NM_001407472.1); c.-18-19647A>G (NM_001407447.1, NM_001354895.2, NM_001407456.1 and 7 more transcripts); c.165+27344A>G (NM_001407446.1, NM_001354897.2, NM_001354902.2); c.-43+27577A>G (NM_001407453.1).
Identifiers: ClinVar variation 82724 (VCV000082724.4), dbSNP rs80352142, ClinGen allele CA023612.

ClinVar aggregate classification (germline): other (0 of 4 stars; one submission).

Conditions:
Familial colorectal cancer. Identifiers: MedGen CN280943, MONDO:0023113. Disease mechanism: loss of function.

Allele frequency attached by ClinVar (database versions not stated): TOPMed below 0.00001; gnomAD 0.00001.
gnomAD v4.1: 2 of 152,088 alleles (0.0013%); highest among the groups gnomAD compares: Non-Finnish European, 0.0029%; no homozygotes.

Submission:

Systems Biology Platform Zhejiang California International NanoSystems Institute
Classification: other for Familial colorectal cancer. Review status: no assertion criteria provided. Collection method: not provided. Allele origin: unknown.
ClinVar note: Converted during submission from cancer to other.